The following is an entry in ClinVar:

NM_003114.5(SPAG1):c.2084A>G (p.Tyr695Cys)

Gene: SPAG1 (sperm associated antigen 1; plus strand). Cytogenetic location: 8q22.2.
Variant type: single nucleotide variant.
Coding change: c.2084A>G on transcript NM_003114.5 (MANE Select); coding-DNA position 2084, A replaced by G.
Protein change: p.Tyr695Cys; replaces tyrosine 695 with cysteine.
Molecular consequence: missense variant.
Genome position (GRCh38, 1-based): chr8:100,233,506, A>G. VCF-style: chr8-100233506-A-G. GRCh37 (hg19) VCF-style: chr8-101245734-A-G.
Other names: c.2084A>G, p.Tyr695Cys (NM_001374321.1, NM_172218.3); short protein forms Y695C.
Identifiers: ClinVar variation 577062 (VCV000577062.11), dbSNP rs146786187, ClinGen allele CA4827669.

ClinVar aggregate classification (germline): Uncertain significance. Review status: criteria provided, multiple submitters, no conflicts (2 of 4 stars). 3 submissions from 3 submitters: Uncertain significance (3). Last evaluated 2024-09-23.

Conditions:
Primary ciliary dyskinesia 28. Also called: CILIARY DYSKINESIA, PRIMARY, 28, WITH OR WITHOUT SITUS INVERSUS. Identifiers: Orphanet 244, MedGen C3809706, MONDO:0014216, OMIM 615505.
Primary ciliary dyskinesia. Also called: Ciliary dyskinesia. Identifiers: Orphanet 244, MedGen C0008780, MONDO:0016575, HP:0012265.

Allele frequency attached by ClinVar (database versions not stated): ExAC 0.00003; gnomAD 0.00005; gnomAD exomes 0.00005 and 0.00009; TOPMed 0.00005; ESP Exome Variant Server 0.00015.

Submissions (3):

Blueprint Genetics
Classification: Uncertain significance. Last evaluated: 2024-09-23. Review status: criteria provided, single submitter. Criteria: ACMG Guidelines, 2015. Collection method: clinical testing. Allele origin: germline.

Labcorp Genetics (formerly Invitae), Labcorp
Classification: Uncertain significance for Primary ciliary dyskinesia 28. Last evaluated: 2021-09-01. Review status: criteria provided, single submitter. Criteria: Invitae Variant Classification Sherloc (09022015). Collection method: clinical testing. Allele origin: germline.
Comment: This sequence change replaces tyrosine with cysteine at codon 695 of the SPAG1 protein (p.Tyr695Cys). The tyrosine residue is moderately conserved and there is a large physicochemical difference between tyrosine and cysteine. This variant is present in population databases (rs146786187, ExAC 0.006%). This variant has not been reported in the literature in individuals affected with SPAG1-related conditions. Algorithms developed to predict the effect of missense changes on protein structure and function are either unavailable or do not agree on the potential impact of this missense change (SIFT: "Deleterious"; PolyPhen-2: "Probably Damaging"; Align-GVGD: "Class C0"). In summary, the available evidence is currently insufficient to determine the role of this variant in disease. Therefore, it has been classified as a Variant of Uncertain Significance.

Ambry Genetics
Classification: Uncertain significance for Primary ciliary dyskinesia. Last evaluated: 2019-03-09. Review status: criteria provided, single submitter. Criteria: Ambry Variant Classification Scheme 2023. Collection method: clinical testing. Allele origin: germline.
Comment: The p.Y695C variant (also known as c.2084A>G), located in coding exon 15 of the SPAG1 gene, results from an A to G substitution at nucleotide position 2084. The tyrosine at codon 695 is replaced by cysteine, an amino acid with highly dissimilar properties. This amino acid position is well conserved in available vertebrate species. In addition, the in silico prediction for this alteration is inconclusive. Since supporting evidence is limited at this time, the clinical significance of this alteration remains unclear.